The following is an entry in ClinVar:

NM_018834.6(MATR3):c.2302_2304del (p.Glu768del)

Gene: MATR3 (matrin 3; plus strand). Cytogenetic location: 5q31.2.
Variant type: Deletion.
Coding change: c.2302_2304del on transcript NM_018834.6 (MANE Select); coding-DNA positions 2302 to 2304, 3 bases deleted (GAG; older notation c.2302_2304delGAG).
Protein change: p.Glu768del; deletes glutamic acid 768.
Molecular consequence: inframe deletion.
Genome position (GRCh38, 1-based): chr5:139,325,593-139,325,595, GAG deleted. VCF-style (leftmost placement, unchanged base first): chr5-139325592-TGAG-T. GRCh37 (hg19) VCF-style: chr5-138661281-TGAG-T.
Other names: c.2302_2304del, p.Glu768del (NM_001194954.2, NM_001194955.2, NM_001400447.1 and 11 more transcripts); c.1438_1440del, p.Glu480del (NM_001194956.2); c.1288_1290del, p.Glu430del (NM_001282278.2, NM_001400462.1, NM_001400463.1 and 4 more transcripts); c.2446_2448del, p.Glu816del (NM_001400441.1, NM_001400442.1, NM_001400443.1 and 2 more transcripts); c.1441_1443del, p.Glu481del (NM_001400459.1); c.1432_1434del, p.Glu478del (NM_001400460.1); c.1402_1404del, p.Glu468del (NM_001400461.1); short protein forms E430del, E481del, E468del, E478del, E480del, E768del, E816del.
Identifiers: ClinVar variation 2807926 (VCV002807926.3), dbSNP rs2546884519, ClinGen allele CA2739275104.

ClinVar aggregate classification (germline): Uncertain significance (1 of 4 stars; one submission).

Conditions:
Amyotrophic lateral sclerosis type 21. Also called: MYOPATHY, DISTAL, 2; VOCAL CORD AND PHARYNGEAL DYSFUNCTION WITH DISTAL MYOPATHY. Identifiers: Orphanet 600, Orphanet 803, MedGen C3807521, MONDO:0011632, OMIM 606070.

Submission:

Labcorp Genetics (formerly Invitae), Labcorp
Classification: Uncertain significance for Amyotrophic lateral sclerosis type 21. Last evaluated: 2022-10-12. Review status: criteria provided, single submitter. Criteria: Invitae Variant Classification Sherloc (09022015). Collection method: clinical testing. Allele origin: germline.
Comment: This variant has not been reported in the literature in individuals affected with MATR3-related conditions. This variant is not present in population databases (gnomAD no frequency). This variant, c.2302_2304del, results in the deletion of 1 amino acid(s) of the MATR3 protein (p.Glu768del), but otherwise preserves the integrity of the reading frame. Experimental studies and prediction algorithms are not available or were not evaluated, and the functional significance of this variant is currently unknown. In summary, the available evidence is currently insufficient to determine the role of this variant in disease. Therefore, it has been classified as a Variant of Uncertain Significance.